The following is an entry in ClinVar:

NC_000023.11:g.(?_32573520)_(32573856_?)del

Gene: DMD (dystrophin; minus strand). Cytogenetic location: Xp21.1.
Variant type: Deletion.
Identifiers: ClinVar variation 833269 (VCV000833269.9).

ClinVar aggregate classification (germline): Pathogenic (1 of 4 stars; one submission).

Conditions:
Duchenne muscular dystrophy (DMD). Also called: Duchenne Muscular Dystrophy (DMD); MUSCULAR DYSTROPHY, PSEUDOHYPERTROPHIC PROGRESSIVE, DUCHENNE TYPE. Identifiers: Orphanet 98896, MedGen C0013264, MONDO:0010679, OMIM 310200.

Submission:

Labcorp Genetics (formerly Invitae), Labcorp
Classification: Pathogenic for Duchenne muscular dystrophy. Last evaluated: 2022-03-09. Review status: criteria provided, single submitter. Criteria: Invitae Variant Classification Sherloc (09022015). Collection method: clinical testing. Allele origin: germline.
Comment: For these reasons, this variant has been classified as Pathogenic. The region of the DMD gene that includes exon(s) 14 has been determined to be clinically significant (PMID: 19040728, 23453023). Therefore, deletions that encompass that region are likely to be disease-causing. Experimental studies and prediction algorithms are not available or were not evaluated, and the functional significance of this variant is currently unknown. A similar copy number variant has been observed in individual(s) with DMD-related dystrophinopathy (PMID: 17259292). This variant is a gross deletion of the genomic region encompassing exon(s) 14-15 of the DMD gene. This variant would be expected to be in-frame, preserving the integrity of the reading frame.

Literature cited by the submitters: PubMed 19040728; PubMed 23453023; PubMed 17259292.